The following is an entry in ClinVar:

ClinVar aggregate classification (germline): Uncertain significance. Review status: criteria provided, multiple submitters, no conflicts (2 of 4 stars). 2 submissions from 2 submitters: Uncertain significance (2). Last evaluated 2025-03-31.

Allele frequency attached by ClinVar (database versions not stated): gnomAD exomes 0.00007 and 0.00012; ExAC 0.00008; TOPMed 0.00008; ESP Exome Variant Server 0.00015; gnomAD 0.00015 and 0.00016.
gnomAD v4.1: 184 of 1,567,882 alleles (0.012%); highest among the groups gnomAD compares: Non-Finnish European, 0.015%; no homozygotes.

Submissions (2):

Labcorp Genetics (formerly Invitae), Labcorp
Classification: Uncertain significance. Last evaluated: 2025-03-31. Review status: criteria provided, single submitter. Criteria: Invitae Variant Classification Sherloc (09022015). Collection method: clinical testing. Allele origin: germline.
Comment: This sequence change replaces aspartic acid, which is acidic and polar, with glycine, which is neutral and non-polar, at codon 478 of the SUCO protein (p.Asp478Gly). This variant is present in population databases (rs201111671, gnomAD 0.02%). This variant has not been reported in the literature in individuals affected with SUCO-related conditions. ClinVar contains an entry for this variant (Variation ID: 1440346). An algorithm developed to predict the effect of missense changes on protein structure and function (PolyPhen-2) suggests that this variant is likely to be disruptive. In summary, the available evidence is currently insufficient to determine the role of this variant in disease. Therefore, it has been classified as a Variant of Uncertain Significance.

Ambry Genetics
Classification: Uncertain significance. Last evaluated: 2025-02-15. Review status: criteria provided, single submitter. Criteria: Ambry Variant Classification Scheme 2023. Collection method: clinical testing. Allele origin: germline.

NM_014283.5(SUCO):c.1433A>G (p.Asp478Gly)

Gene: SUCO (SUN domain containing ossification factor; plus strand). Cytogenetic location: 1q24.3.
Variant type: single nucleotide variant.
Coding change: c.1433A>G on transcript NM_014283.5 (MANE Select); coding-DNA position 1433, A replaced by G.
Protein change: p.Asp478Gly; replaces aspartic acid 478 with glycine.
Molecular consequence: missense variant. On other transcripts: 5 prime UTR variant (1).
Genome position (GRCh38, 1-based): chr1:172,579,202, A>G. VCF-style: chr1-172579202-A-G. GRCh37 (hg19) VCF-style: chr1-172548342-A-G.
Other names: c.1322A>G, p.Asp441Gly (NM_001282750.2); c.-97A>G (NM_001282751.2); c.1886A>G, p.Asp629Gly (NM_016227.4); c.1433A>G (NM_014283.3); short protein forms D629G, D478G, D441G.
Identifiers: ClinVar variation 1440346 (VCV001440346.9), dbSNP rs201111671, ClinGen allele CA1246883.